The following is an entry in ClinVar:

ClinVar aggregate classification (germline): Benign. Review status: reviewed by expert panel (3 of 4 stars). 7 submissions from 7 submitters: Benign (1). 6 of the submissions do not count toward it. Last evaluated 2024-08-07.

Conditions:
NEB-related disorder. Also called: NEB-Related Disorders; NEB-related condition.
Nemaline myopathy. Also called: Myopathies, Nemaline. Identifiers: Orphanet 607, MedGen C0206157, MONDO:0018958.
Nemaline myopathy 2 (NEM2). Also called: Nemaline myopathy 2, autosomal recessive. Identifiers: MedGen C1850569, MONDO:0009725, OMIM 256030.

Allele frequency attached by ClinVar (database versions not stated): gnomAD 0.00002 and 0.00025; TOPMed 0.00008; gnomAD exomes 0.00050 and 0.00120; 1000 Genomes Project 30x 0.00219; 1000 Genomes Project 0.00220; ExAC 0.00320.
gnomAD v4.1: 736 of 1,536,910 alleles (0.048%); highest among the groups gnomAD compares: South Asian, 0.81%; 4 homozygotes.

Submissions (7):

ClinGen Congenital Myopathies Variant Curation Expert Panel, ClinGen
Classification: Benign for Nemaline myopathy. Last evaluated: 2024-08-07. Review status: reviewed by expert panel. Criteria: ClinGen CongenMyopathy ACMG Specifications NEB V1.0.0. Collection method: curation. Allele origin: germline. Inheritance: Autosomal recessive inheritance.
Comment: The c.11181T>A (p.Asp3727Glu) variant in NEB is a missense variant predicted to cause substitution of aspartic acid by glutamic acid at amino acid 3727. The highest population filtering allele frequency in gnomAD v4.1.0 is 0.007676 (684/84234 alleles, 4 homozygotes) in the South Asian population, which is higher than the ClinGen Congenital Myopathies threshold (≥0.00559) for BA1, and therefore meets this criterion (BA1). The computational predictor REVEL gives a score of 0.119, which is below the threshold of 0.15 and the variant is not predicted by SpliceAI to impact splicing, and does not predict a damaging effect on NEB function (BP4). In summary, this variant meets the criteria to be classified as benign for autosomal recessive nemaline myopathy based on the ACMG/AMP criteria applied, as specified by the ClinGen Congenital Myopathies VCEP: BA1, BP4. (Congenital Myopathies VCEP specifications version 1; 8/7/2024)

Labcorp Genetics (formerly Invitae), Labcorp
Classification: Benign for Nemaline myopathy 2. Last evaluated: 2026-02-04. Review status: criteria provided, single submitter. Criteria: Invitae Variant Classification Sherloc (09022015). Collection method: clinical testing. Allele origin: germline. Not counted in ClinVar's aggregate classification.

PreventionGenetics, part of Exact Sciences
Classification: Benign for NEB-related condition. Last evaluated: 2025-11-21. Review status: criteria provided, single submitter. Criteria: ACMG Guidelines, 2015. Collection method: clinical testing. Allele origin: germline. Not counted in ClinVar's aggregate classification.
Comment: This variant is classified as benign based on ACMG/AMP sequence variant interpretation guidelines (Richards et al. 2015 PMID: 25741868, with internal and published modifications).

CeGaT Center for Human Genetics Tuebingen
Classification: Benign. Last evaluated: 2024-05-01. Review status: criteria provided, single submitter. Criteria: CeGaT Center For Human Genetics Tuebingen Variant Classification Criteria Version 2. Collection method: clinical testing. Allele origin: germline. Affected: yes. Observed: 1 variant allele. Not counted in ClinVar's aggregate classification.
Comment: NEB: BP4, BS1, BS2

GeneDx
Classification: Benign. Last evaluated: 2021-03-01. Review status: criteria provided, single submitter. Criteria: GeneDx Variant Classification Process June 2021. Collection method: clinical testing. Allele origin: germline. Affected: yes. Not counted in ClinVar's aggregate classification.

Eurofins Ntd Llc (ga)
Classification: Benign. Last evaluated: 2016-12-22. Review status: criteria provided, single submitter. Criteria: EGL Classification Definitions 2015. Collection method: clinical testing. Allele origin: germline. Observed: 1 variant allele, 1 heterozygote. Not counted in ClinVar's aggregate classification.

Natera, Inc.
Classification: Likely benign for Nemaline myopathy type 2. Last evaluated: 2021-02-26. Review status: no assertion criteria provided. Collection method: clinical testing. Allele origin: germline. Not counted in ClinVar's aggregate classification.

NM_001164508.2(NEB):c.11181T>A (p.Asp3727Glu)

Gene: NEB (nebulin; minus strand). Cytogenetic location: 2q23.3.
Variant type: single nucleotide variant.
Coding change: c.11181T>A on transcript NM_001164508.2 (MANE Select); coding-DNA position 11181, T replaced by A.
Protein change: p.Asp3727Glu; replaces aspartic acid 3727 with glutamic acid.
Molecular consequence: missense variant.
Genome position (GRCh38, 1-based): chr2:151,617,364, A>T on the plus strand (T>A on the coding strand, the complement: NEB is on the minus strand). VCF-style: chr2-151617364-A-T. GRCh37 (hg19) VCF-style: chr2-152473878-A-T.
Other names: NM_001164508.2(NEB):c.11181T>A; p.Asp3727Glu; c.11181T>A, p.Asp3727Glu (NM_001271208.2, NM_001164507.2); c.10452T>A, p.Asp3484Glu (NM_004543.5); short protein forms D3727E, D3484E.
Identifiers: ClinVar variation 499052 (VCV000499052.46), dbSNP rs551261559, ClinGen allele CA1908826.
Genomic context (GRCh38, chr2:151,617,364, plus strand): 5'-AACAGCTACAGTGGTTCATTTTTGCCTTTCTGTTCATTACAAGATCAACAGTTTACTTAC[A>T]TCACTGTAGTTTATTCGGTTGAGTTTGGCTAACATGATTTCTGGTGTATCAGGCATGACA-3'
Protein context (NP_001157980.2, residues 3717-3737): LAKLNRINYS[Asp3727Glu]KLYKLALEES